The following is an entry in ClinVar:

NM_000264.5(PTCH1):c.3531C>T (p.Phe1177=)

Gene: PTCH1 (patched 1; minus strand). Cytogenetic location: 9q22.32.
Variant type: single nucleotide variant.
Coding change: c.3531C>T on transcript NM_000264.5 (MANE Select); coding-DNA position 3531, C replaced by T.
Protein change: p.Phe1177=; no amino-acid change (phenylalanine 1177 retained).
Molecular consequence: synonymous variant. On other transcripts: non-coding transcript variant (1).
Genome position (GRCh38, 1-based): chr9:95,449,859, G>A on the plus strand (C>T on the coding strand, the complement: PTCH1 is on the minus strand). VCF-style: chr9-95449859-G-A. GRCh37 (hg19) VCF-style: chr9-98212141-G-A.
Other names: c.3333C>T, p.Phe1111= (NM_001083602.3); c.3528C>T, p.Phe1176= (NM_001083603.3); c.3078C>T, p.Phe1026= (NM_001083604.3, NM_001083605.3, NM_001083606.3 and 1 more transcripts); c.3375C>T, p.Phe1125= (NM_001354918.2).
Identifiers: ClinVar variation 135892 (VCV000135892.20), dbSNP rs587780702, ClinGen allele CA332537.
Genomic context (GRCh38, chr9:95,449,859, plus strand): 5'-TCAGCCGGCCTACACGTGGGACATCCCCGTGTCACTACTGACCTCAGGATATGGTCCAAA[G>A]AAAGACAAAAGCACGGGAAGCAAAACCAGCCCATTGAGAACGCCGAGGATGGTGAGGATC-3'
Protein context (NP_000255.2, residues 1167-1187): GLVLLPVLLS[Phe1177=]FGPYPEVSPA

ClinVar aggregate classification (germline): Benign/Likely benign. Review status: criteria provided, multiple submitters, no conflicts (2 of 4 stars). 5 submissions from 5 submitters: Benign (1); Likely benign (3). 1 of the submissions does not count toward it. Last evaluated 2026-02-02.

Conditions:
Hereditary cancer-predisposing syndrome. Also called: Tumor predisposition; Hereditary neoplastic syndrome; Neoplastic Syndromes, Hereditary; Hereditary Cancer Syndrome. Identifiers: Orphanet 140162, MedGen C0027672, MeSH D009386, MONDO:0015356.
Gorlin syndrome. Also called: Nevoid Basal Cell Carcinoma Syndrome; Basal cell nevus syndrome. Identifiers: Orphanet 377, MedGen C0004779, MONDO:0007187.
PTCH1-related disorder. Also called: PTCH1-related disorders; PTCH1-related condition.

Allele frequency attached by ClinVar (database versions not stated): gnomAD 0.00008 and 0.00009; TOPMed 0.00011; gnomAD exomes 0.00012 and 0.00022; ExAC 0.00013.
gnomAD v4.1: 332 of 1,613,892 alleles (0.021%); highest among the groups gnomAD compares: Non-Finnish European, 0.027%; no homozygotes.

Submissions (5):

Labcorp Genetics (formerly Invitae), Labcorp
Classification: Benign for Gorlin syndrome. Last evaluated: 2026-02-02. Review status: criteria provided, single submitter. Criteria: Invitae Variant Classification Sherloc (09022015). Collection method: clinical testing. Allele origin: germline.

Center for Genomic Medicine, Rigshospitalet, Copenhagen University Hospital
Classification: Likely benign. Last evaluated: 2025-03-04. Review status: criteria provided, single submitter. Criteria: ACMG Guidelines, 2015. Collection method: clinical testing. Allele origin: germline.

Blueprint Genetics
Classification: Likely benign. Last evaluated: 2024-09-04. Review status: criteria provided, single submitter. Criteria: ACMG Guidelines, 2015. Collection method: clinical testing. Allele origin: germline.

Ambry Genetics
Classification: Likely benign for Hereditary cancer-predisposing syndrome. Last evaluated: 2016-03-29. Review status: criteria provided, single submitter. Criteria: Ambry Variant Classification Scheme 2023. Collection method: clinical testing. Allele origin: germline.

PreventionGenetics, part of Exact Sciences
Classification: Likely benign for PTCH1-related condition. Last evaluated: 2019-11-19. Review status: no assertion criteria provided. Collection method: clinical testing. Allele origin: germline. Not counted in ClinVar's aggregate classification.
Comment: This variant is classified as likely benign based on ACMG/AMP sequence variant interpretation guidelines (Richards et al. 2015 PMID: 25741868, with internal and published modifications).